The following is an entry in ClinVar:

ClinVar aggregate classification (germline): Uncertain significance (1 of 4 stars; one submission).

Conditions:
Familial thoracic aortic aneurysm and aortic dissection (TAAD). Also called: Thoracic aortic aneurysms and dissections. Identifiers: Orphanet 91387, MedGen C4707243, MONDO:0019625.

Submission:

Ambry Genetics
Classification: Uncertain significance for Familial thoracic aortic aneurysm and aortic dissection. Last evaluated: 2026-09-11. Review status: criteria provided, single submitter. Criteria: Ambry Variant Classification Scheme 2023. Collection method: clinical testing. Allele origin: germline.
Comment: The c.691T>A (p.F231I) alteration is located in exon 6 (coding exon 6) of the SMAD3 gene. This alteration results from a T to A substitution at nucleotide position 691, causing the phenylalanine (F) at amino acid position 231 to be replaced by an isoleucine (I). This variant was not reported in population-based cohorts in the Genome Aggregation Database (gnomAD). This amino acid position is highly conserved in available vertebrate species. This missense variant is located in a region that has a low rate of benign missense variation (Lek, 2016; Firth, 2009). This alteration is predicted to be deleterious by in silico analysis. Based on insufficient or conflicting evidence, the clinical significance of this alteration remains unclear.

NM_005902.4(SMAD3):c.691T>A (p.Phe231Ile)

Gene: SMAD3 (SMAD family member 3; plus strand). Cytogenetic location: 15q22.33.
Variant type: single nucleotide variant.
Coding change: c.691T>A on transcript NM_005902.4 (MANE Select); coding-DNA position 691, T replaced by A.
Protein change: p.Phe231Ile; replaces phenylalanine 231 with isoleucine.
Molecular consequence: missense variant.
Genome position (GRCh38, 1-based): chr15:67,181,273, T>A. VCF-style: chr15-67181273-T-A. GRCh37 (hg19) VCF-style: chr15-67473611-T-A.
Other names: c.376T>A, p.Phe126Ile (NM_001145102.2, NM_001407016.1); c.559T>A, p.Phe187Ile (NM_001145103.2, NM_001407012.1); c.106T>A, p.Phe36Ile (NM_001145104.2, NM_001407017.1); c.691T>A, p.Phe231Ile (NM_001407011.1, NM_001407013.1); c.544T>A, p.Phe182Ile (NM_001407014.1); c.244T>A, p.Phe82Ile (NM_001407015.1); short protein forms F36I, F182I, F231I, F187I, F126I, F82I.
Identifiers: ClinVar variation 5029706 (VCV005029706.1).